The following is an entry in ClinVar:

NM_018943.3(TUBA8):c.91C>T (p.Gln31Ter)

Gene: TUBA8 (tubulin alpha 8; plus strand). Cytogenetic location: 22q11.21.
Variant type: single nucleotide variant.
Coding change: c.91C>T on transcript NM_018943.3 (MANE Select); coding-DNA position 91, C replaced by T.
Protein change: p.Gln31Ter; replaces glutamine 31 with a stop codon.
Molecular consequence: nonsense. On other transcripts: 5 prime UTR variant (1).
Genome position (GRCh38, 1-based): chr22:18,121,566, C>T. VCF-style: chr22-18121566-C-T. GRCh37 (hg19) VCF-style: chr22-18604333-C-T.
Other names: c.-108C>T (NM_001193414.2); short protein forms Q31*.
Identifiers: ClinVar variation 2897255 (VCV002897255.3), dbSNP rs1442174490, ClinGen allele CA410261475.

ClinVar aggregate classification (germline): Uncertain significance (1 of 4 stars; one submission).

Allele frequency attached by ClinVar (database versions not stated): gnomAD exomes below 0.00001; TOPMed below 0.00001.
gnomAD v4.1: 1 of 1,614,224 alleles (0.000062%); highest among the groups gnomAD compares: Non-Finnish European, 0.000085%; no homozygotes.

Submission:

Labcorp Genetics (formerly Invitae), Labcorp
Classification: Uncertain significance. Last evaluated: 2023-11-11. Review status: criteria provided, single submitter. Criteria: Invitae Variant Classification Sherloc (09022015). Collection method: clinical testing. Allele origin: germline.
Comment: This sequence change creates a premature translational stop signal (p.Gln31*) in the TUBA8 gene. It is expected to result in an absent or disrupted protein product. However, the current clinical and genetic evidence is not sufficient to establish whether loss-of-function variants in TUBA8 cause disease. This variant is not present in population databases (gnomAD no frequency). This variant has not been reported in the literature in individuals affected with TUBA8-related conditions. In summary, the available evidence is currently insufficient to determine the role of this variant in disease. Therefore, it has been classified as a Variant of Uncertain Significance.